The following is an entry in ClinVar:

NM_016151.4(TAOK2):c.563+11G>A

Gene: TAOK2 (TAO kinase 2; plus strand). Cytogenetic location: 16p11.2.
Variant type: single nucleotide variant.
Coding change: c.563+11G>A on transcript NM_016151.4 (MANE Select); 11 bases into the intron after coding-DNA position 563, G replaced by A.
Molecular consequence: intron variant.
Genome position (GRCh38, 1-based): chr16:29,979,319, G>A. VCF-style: chr16-29979319-G-A. GRCh37 (hg19) VCF-style: chr16-29990640-G-A.
Other names: c.563+11G>A (NM_004783.4, NM_001252043.2).
Identifiers: ClinVar variation 2034719 (VCV002034719.4), dbSNP rs2543611260, ClinGen allele CA2580091452.

ClinVar aggregate classification (germline): Uncertain significance (1 of 4 stars; one submission).

Submission:

Labcorp Genetics (formerly Invitae), Labcorp
Classification: Uncertain significance. Last evaluated: 2022-10-08. Review status: criteria provided, single submitter. Criteria: Invitae Variant Classification Sherloc (09022015). Collection method: clinical testing. Allele origin: germline.
Comment: This sequence change falls in intron 7 of the TAOK2 gene. It does not directly change the encoded amino acid sequence of the TAOK2 protein. This variant is not present in population databases (gnomAD no frequency). This variant has not been reported in the literature in individuals affected with TAOK2-related conditions. Algorithms developed to predict the effect of sequence changes on RNA splicing suggest that this variant may create or strengthen a splice site. In summary, the available evidence is currently insufficient to determine the role of this variant in disease. Therefore, it has been classified as a Variant of Uncertain Significance.